The following is an entry in ClinVar:

NM_002458.3(MUC5B):c.14687G>T (p.Ser4896Ile)

Gene: MUC5B (mucin 5B, oligomeric mucus/gel-forming; plus strand). Cytogenetic location: 11p15.5.
Variant type: single nucleotide variant.
Coding change: c.14687G>T on transcript NM_002458.3 (MANE Select); coding-DNA position 14687, G replaced by T.
Protein change: p.Ser4896Ile; replaces serine 4896 with isoleucine.
Molecular consequence: missense variant.
Genome position (GRCh38, 1-based): chr11:1,251,567, G>T. VCF-style: chr11-1251567-G-T. GRCh37 (hg19) VCF-style: chr11-1272797-G-T.
Other names: short protein forms S4896I.
Identifiers: ClinVar variation 2641312 (VCV002641312.24), dbSNP rs56368888, ClinGen allele CA5808796.

ClinVar aggregate classification (germline): Likely benign (1 of 4 stars; one submission).

Allele frequency attached by ClinVar (database versions not stated): 1000 Genomes Project 30x 0.00172; 1000 Genomes Project 0.00200; ESP Exome Variant Server 0.00554; gnomAD 0.00596; ExAC 0.00726.
gnomAD v4.1: 12,503 of 1,612,442 alleles (0.78%); highest among the groups gnomAD compares: Non-Finnish European, 0.89%; 74 homozygotes.

Submission:

CeGaT Center for Human Genetics Tuebingen
Classification: Likely benign. Last evaluated: 2024-04-01. Review status: criteria provided, single submitter. Criteria: CeGaT Center For Human Genetics Tuebingen Variant Classification Criteria Version 2. Collection method: clinical testing. Allele origin: germline. Affected: yes. Observed: 3 variant alleles.
Comment: MUC5B: BP4, BS2